The following is an entry in ClinVar:

ClinVar aggregate classification (germline): Benign (1 of 4 stars; one submission).

Allele frequency attached by ClinVar (database versions not stated): 1000 Genomes Project 0.13798; 1000 Genomes Project 30x 0.14335; gnomAD 0.11290 and 0.11827; TOPMed 0.12616.
gnomAD v4.1: 16,972 of 151,514 alleles (11%); highest among the groups gnomAD compares: African/African-American, 35%; 2,565 homozygotes.

Submission:

GeneDx
Classification: Benign. Last evaluated: 2018-06-19. Review status: criteria provided, single submitter. Criteria: GeneDx Variant Classification (06012015). Collection method: clinical testing. Allele origin: germline. Affected: yes.
Comment: This variant is considered likely benign or benign based on one or more of the following criteria: it is a conservative change, it occurs at a poorly conserved position in the protein, it is predicted to be benign by multiple in silico algorithms, and/or has population frequency not consistent with disease.

NM_001042492.3(NF1):c.4835+193T>C

Gene: NF1 (neurofibromin 1; plus strand). Cytogenetic location: 17q11.2.
Variant type: single nucleotide variant.
Coding change: c.4835+193T>C on transcript NM_001042492.3 (MANE Select); 193 bases into the intron after coding-DNA position 4835, T replaced by C.
Molecular consequence: intron variant.
Genome position (GRCh38, 1-based): chr17:31,265,532, T>C. VCF-style: chr17-31265532-T-C. GRCh37 (hg19) VCF-style: chr17-29592550-T-C.
Other names: c.4772+193T>C (NM_000267.4).
Identifiers: ClinVar variation 561474 (VCV000561474.1), dbSNP rs7221954, ClinGen allele CA289355133.